The following is an entry in ClinVar:

NM_001365276.2(TNXB):c.7352G>A (p.Arg2451Gln)

Gene: TNXB (tenascin XB; minus strand). Cytogenetic location: 6p21.33.
Variant type: single nucleotide variant.
Coding change: c.7352G>A on transcript NM_001365276.2 (MANE Select); coding-DNA position 7352, G replaced by A.
Protein change: p.Arg2451Gln; replaces arginine 2451 with glutamine.
Molecular consequence: missense variant.
Genome position (GRCh38, 1-based): chr6:32,061,537, C>T on the plus strand (G>A on the coding strand, the complement: TNXB is on the minus strand). VCF-style: chr6-32061537-C-T. GRCh37 (hg19) VCF-style: chr6-32029314-C-T.
Other names: c.7352G>A, p.Arg2451Gln (NM_019105.8); short protein forms R2451Q.
Identifiers: ClinVar variation 1263188 (VCV001263188.6), dbSNP rs201131695, ClinGen allele CA3734179.

ClinVar aggregate classification (germline): Benign/Likely benign. Review status: criteria provided, multiple submitters, no conflicts (2 of 4 stars). 4 submissions from 4 submitters: Benign (2); Likely benign (2). Last evaluated 2026-02-04.

Conditions:
TNXB-related disorder. Also called: TNXB-related condition.
Cardiovascular phenotype. Identifiers: MedGen CN230736.

Allele frequency attached by ClinVar (database versions not stated): TOPMed 0.00008; ESP Exome Variant Server 0.00013; gnomAD 0.00027 and 0.00006; gnomAD exomes 0.00106; ExAC 0.00132; 1000 Genomes Project 30x 0.00219; 1000 Genomes Project 0.00220.
gnomAD v4.1: 784 of 1,613,528 alleles (0.049%); highest among the groups gnomAD compares: South Asian, 0.79%; 22 homozygotes.

Submissions (4):

Labcorp Genetics (formerly Invitae), Labcorp
Classification: Benign. Last evaluated: 2026-02-04. Review status: criteria provided, single submitter. Criteria: Invitae Variant Classification Sherloc (09022015). Collection method: clinical testing. Allele origin: germline.

PreventionGenetics, part of Exact Sciences
Classification: Likely benign for TNXB-related condition. Last evaluated: 2025-05-07. Review status: criteria provided, single submitter. Criteria: ACMG Guidelines, 2015. Collection method: clinical testing. Allele origin: germline.
Comment: This variant is classified as likely benign based on ACMG/AMP sequence variant interpretation guidelines (Richards et al. 2015 PMID: 25741868, with internal and published modifications).

Ambry Genetics
Classification: Likely benign for Cardiovascular phenotype. Last evaluated: 2021-10-14. Review status: criteria provided, single submitter. Criteria: Ambry Variant Classification Scheme 2023. Collection method: clinical testing. Allele origin: germline.

GeneDx
Classification: Benign. Last evaluated: 2020-12-14. Review status: criteria provided, single submitter. Criteria: GeneDx Variant Classification Process June 2021. Collection method: clinical testing. Allele origin: germline. Affected: yes.